The following is an entry in ClinVar:

ClinVar aggregate classification (germline): Benign. Review status: criteria provided, multiple submitters, no conflicts (2 of 4 stars). 3 submissions from 3 submitters: Benign (3). Last evaluated 2026-02-02.

Conditions:
Immunodeficiency-centromeric instability-facial anomalies syndrome 1 (ICF1). Identifiers: Orphanet 2268, MedGen C4551557, MONDO:0009454, OMIM 242860.
Centromeric instability of chromosomes 1,9 and 16 and immunodeficiency (ICF1). Also called: CENTROMERIC INSTABILITY, IMMUNODEFICIENCY SYNDROME; IMMUNE DEFICIENCY, VARIABLE, WITH CENTROMERIC INSTABILITY OF CHROMOSOMES 1, 9, AND 16; IMMUNODEFICIENCY SYNDROME, VARIABLE; Immunodeficiency-centromeric instability-facial anomalies. Identifiers: Orphanet 2268, MedGen C0398788, MONDO:0000133.

Allele frequency attached by ClinVar (database versions not stated): gnomAD exomes 0.00633; ExAC 0.00799; 1000 Genomes Project 0.02296; gnomAD 0.02306 and 0.02475; 1000 Genomes Project 30x 0.02452; TOPMed 0.02572; ESP Exome Variant Server 0.02753.
gnomAD v4.1: 7,100 of 1,614,140 alleles (0.44%); highest among the groups gnomAD compares: African/African-American, 7.9%; 263 homozygotes.

Submissions (3):

Labcorp Genetics (formerly Invitae), Labcorp
Classification: Benign for Centromeric instability of chromosomes 1,9 and 16 and immunodeficiency. Last evaluated: 2026-02-02. Review status: criteria provided, single submitter. Criteria: Invitae Variant Classification Sherloc (09022015). Collection method: clinical testing. Allele origin: germline.

Illumina Laboratory Services, Illumina
Classification: Benign for Immunodeficiency-centromeric instability-facial anomalies syndrome 1. Last evaluated: 2018-01-13. Review status: criteria provided, single submitter. Criteria: ICSL Variant Classification Criteria 13 December 2019. Collection method: clinical testing. Allele origin: germline.
Comment: This variant was observed in the ICSL laboratory as part of a predisposition screen in an ostensibly healthy population. It had not been previously curated by ICSL or reported in the Human Gene Mutation Database (HGMD: prior to June 1st, 2018), and was therefore a candidate for classification through an automated scoring system. Utilizing variant allele frequency, disease prevalence and penetrance estimates, and inheritance mode, an automated score was calculated to assess if this variant is too frequent to cause the disease. Based on the score and internal cut-off values, a variant classified as benign is not then subjected to further curation. The score for this variant resulted in a classification of benign for this disease.

Breakthrough Genomics
Classification: Benign. Review status: criteria provided, single submitter. Criteria: ACMG Guidelines, 2015. Collection method: not provided. Allele origin: germline. Inheritance: Autosomal recessive inheritance. Affected: yes.

NM_006892.4(DNMT3B):c.1878C>T (p.Asn626=)

Gene: DNMT3B (DNA methyltransferase 3 beta; plus strand). Cytogenetic location: 20q11.21.
Variant type: single nucleotide variant.
Coding change: c.1878C>T on transcript NM_006892.4 (MANE Select); coding-DNA position 1878, C replaced by T.
Protein change: p.Asn626=; no amino-acid change (asparagine 626 retained).
Molecular consequence: synonymous variant.
Genome position (GRCh38, 1-based): chr20:32,800,271, C>T. VCF-style: chr20-32800271-C-T. GRCh37 (hg19) VCF-style: chr20-31388077-C-T.
Other names: c.1692C>T, p.Asn564= (NM_001207055.2); c.1590C>T, p.Asn530= (NM_001207056.2); c.1818C>T, p.Asn606= (NM_175848.2, NM_175849.2); c.1854C>T, p.Asn618= (NM_175850.3).
Identifiers: ClinVar variation 338178 (VCV000338178.15), dbSNP rs17123655, ClinGen allele CA9810734.